The following is an entry in ClinVar:

ClinVar aggregate classification (germline): Benign/Likely benign. Review status: criteria provided, multiple submitters, no conflicts (2 of 4 stars). 2 submissions from 2 submitters: Benign (1); Likely benign (1). Last evaluated 2025-10-31.

Conditions:
Familial cancer of breast. Also called: BREAST CANCER, FAMILIAL; Hereditary breast cancer; hereditary breast carcinoma. Identifiers: Orphanet 227535, MedGen C0346153, MONDO:0016419, OMIM 114480. Disease mechanism: loss of function.
Hereditary cancer-predisposing syndrome. Also called: Hereditary Cancer Syndrome; Tumor predisposition; Hereditary neoplastic syndrome; Neoplastic Syndromes, Hereditary. Identifiers: Orphanet 140162, MedGen C0027672, MeSH D009386, MONDO:0015356.

Submissions (2):

Ambry Genetics
Classification: Likely benign for Hereditary cancer-predisposing syndrome. Last evaluated: 2025-10-31. Review status: criteria provided, single submitter. Criteria: Ambry Variant Classification Scheme 2023. Collection method: clinical testing. Allele origin: germline.

Myriad Genetics, Inc.
Classification: Benign for Familial cancer of breast. Last evaluated: 2024-05-17. Review status: criteria provided, single submitter. Criteria: Myriad Autosomal Dominant, Autosomal Recessive and X-Linked Classification Criteria (2023). Collection method: clinical testing. Allele origin: unknown.
Comment: This variant is considered benign. This variant is a silent/synonymous amino acid change and it is not expected to impact splicing.

NM_000051.4(ATM):c.4428C>T (p.Ile1476=)

Gene: ATM (ATM serine/threonine kinase; plus strand). Cytogenetic location: 11q22.3.
Variant type: single nucleotide variant.
Coding change: c.4428C>T on transcript NM_000051.4 (MANE Select); coding-DNA position 4428, C replaced by T.
Protein change: p.Ile1476=; no amino-acid change (isoleucine 1476 retained).
Molecular consequence: synonymous variant.
Genome position (GRCh38, 1-based): chr11:108,289,793, C>T. VCF-style: chr11-108289793-C-T. GRCh37 (hg19) VCF-style: chr11-108160520-C-T.
Other names: c.4428C>T, p.Ile1476= (NM_001351834.2).
Identifiers: ClinVar variation 3254137 (VCV003254137.2), dbSNP rs876659370.